The following is an entry in ClinVar:

NM_205836.3(FBXO38):c.2177A>C (p.Asp726Ala)

Gene: FBXO38 (F-box protein 38; plus strand). Cytogenetic location: 5q32.
Variant type: single nucleotide variant.
Coding change: c.2177A>C on transcript NM_205836.3 (MANE Select); coding-DNA position 2177, A replaced by C.
Protein change: p.Asp726Ala; replaces aspartic acid 726 with alanine.
Molecular consequence: missense variant. On other transcripts: intron variant (1).
Genome position (GRCh38, 1-based): chr5:148,427,471, A>C. VCF-style: chr5-148427471-A-C. GRCh37 (hg19) VCF-style: chr5-147807034-A-C.
Other names: c.2177A>C, p.Asp726Ala (NM_030793.5); c.1918+1770A>C (NM_001271723.2); short protein forms D726A.
Identifiers: ClinVar variation 1406619 (VCV001406619.6), dbSNP rs2113628246, ClinGen allele CA361657123.

ClinVar aggregate classification (germline): Uncertain significance (1 of 4 stars; one submission).

Conditions:
Distal hereditary motor neuropathy type 2. Identifiers: Orphanet 139525, MedGen C3711384, MeSH C580044, MONDO:0015352.

Submission:

Labcorp Genetics (formerly Invitae), Labcorp
Classification: Uncertain significance for Distal hereditary motor neuropathy type 2. Last evaluated: 2021-07-21. Review status: criteria provided, single submitter. Criteria: Invitae Variant Classification Sherloc (09022015). Collection method: clinical testing. Allele origin: germline.
Comment: This variant is not present in population databases (ExAC no frequency). This sequence change replaces aspartic acid with alanine at codon 726 of the FBXO38 protein (p.Asp726Ala). The aspartic acid residue is highly conserved and there is a moderate physicochemical difference between aspartic acid and alanine. This variant has not been reported in the literature in individuals affected with FBXO38-related conditions. In summary, the available evidence is currently insufficient to determine the role of this variant in disease. Therefore, it has been classified as a Variant of Uncertain Significance. Algorithms developed to predict the effect of missense changes on protein structure and function (SIFT, PolyPhen-2, Align-GVGD) all suggest that this variant is likely to be tolerated.